The following is an entry in ClinVar:

ClinVar aggregate classification (germline): Uncertain significance (1 of 4 stars; one submission).

gnomAD v4.1: 1 of 1,614,068 alleles (0.000062%); highest among the groups gnomAD compares: Non-Finnish European, 0.000085%; no homozygotes.

Submission:

Labcorp Genetics (formerly Invitae), Labcorp
Classification: Uncertain significance. Last evaluated: 2023-08-04. Review status: criteria provided, single submitter. Criteria: Invitae Variant Classification Sherloc (09022015). Collection method: clinical testing. Allele origin: germline.
Comment: In summary, the available evidence is currently insufficient to determine the role of this variant in disease. Therefore, it has been classified as a Variant of Uncertain Significance. Algorithms developed to predict the effect of sequence changes on RNA splicing suggest that this variant may create or strengthen a splice site. Advanced modeling of protein sequence and biophysical properties (such as structural, functional, and spatial information, amino acid conservation, physicochemical variation, residue mobility, and thermodynamic stability) has been performed at Invitae for this missense variant, however the output from this modeling did not meet the statistical confidence thresholds required to predict the impact of this variant on CYP4V2 protein function. ClinVar contains an entry for this variant (Variation ID: 844296). This variant has not been reported in the literature in individuals affected with CYP4V2-related conditions. This variant is not present in population databases (gnomAD no frequency). This sequence change replaces phenylalanine, which is neutral and non-polar, with isoleucine, which is neutral and non-polar, at codon 126 of the CYP4V2 protein (p.Phe126Ile).

NM_207352.4(CYP4V2):c.376T>A (p.Phe126Ile)

Gene: CYP4V2 (cytochrome P450 family 4 subfamily V member 2; plus strand). Cytogenetic location: 4q35.1.
Variant type: single nucleotide variant.
Coding change: c.376T>A on transcript NM_207352.4 (MANE Select); coding-DNA position 376, T replaced by A.
Protein change: p.Phe126Ile; replaces phenylalanine 126 with isoleucine.
Molecular consequence: missense variant.
Genome position (GRCh38, 1-based): chr4:186,196,051, T>A. VCF-style: chr4-186196051-T-A. GRCh37 (hg19) VCF-style: chr4-187117205-T-A.
Other names: short protein forms F126I.
Identifiers: ClinVar variation 844296 (VCV000844296.9), dbSNP rs1736138466, ClinGen allele CA358947147.